The following is an entry in ClinVar:

ClinVar aggregate classification (germline): Uncertain significance. Review status: criteria provided, multiple submitters, no conflicts (2 of 4 stars). 2 submissions from 2 submitters: Uncertain significance (2). Last evaluated 2022-12-06.

Conditions:
Bartter disease type 3. Also called: Bartter syndrome type 3. Identifiers: Orphanet 112, Orphanet 93605, MedGen C1846343, MONDO:0011822, OMIM 607364.
Bartter disease type 4B. Also called: BARTTER SYNDROME, TYPE 4B; BARTTER SYNDROME, TYPE 4B, NEONATAL, WITH SENSORINEURAL DEAFNESS; Bartter syndrome, type 4b, digenic. Identifiers: Orphanet 112, MedGen C4310805, MONDO:0000909, OMIM 613090.

Allele frequency attached by ClinVar (database versions not stated): gnomAD exomes below 0.00001; TOPMed below 0.00001; gnomAD 0.00001.
gnomAD v4.1: 9 of 1,613,946 alleles (0.00056%); highest among the groups gnomAD compares: Non-Finnish European, 0.00068%; no homozygotes.

Submissions (2):

Labcorp Genetics (formerly Invitae), Labcorp
Classification: Uncertain significance. Last evaluated: 2022-12-06. Review status: criteria provided, single submitter. Criteria: Invitae Variant Classification Sherloc (09022015). Collection method: clinical testing. Allele origin: germline.
Comment: In summary, the available evidence is currently insufficient to determine the role of this variant in disease. Therefore, it has been classified as a Variant of Uncertain Significance. Advanced modeling of protein sequence and biophysical properties (such as structural, functional, and spatial information, amino acid conservation, physicochemical variation, residue mobility, and thermodynamic stability) performed at Invitae indicates that this missense variant is not expected to disrupt CLCNKB protein function. ClinVar contains an entry for this variant (Variation ID: 1370652). This variant has not been reported in the literature in individuals affected with CLCNKB-related conditions. This variant is not present in population databases (gnomAD no frequency). This sequence change replaces alanine, which is neutral and non-polar, with serine, which is neutral and polar, at codon 177 of the CLCNKB protein (p.Ala177Ser).

Fulgent Genetics
Classification: Uncertain significance for Bartter disease type 3; Bartter disease type 4B. Last evaluated: 2022-01-20. Review status: criteria provided, single submitter. Criteria: ACMG Guidelines, 2015. Collection method: clinical testing. Allele origin: unknown.

NM_000085.5(CLCNKB):c.529G>T (p.Ala177Ser)

Genes: CLCNKB (chloride voltage-gated channel Kb; plus strand), LOC106501713 (CLCNKB recombination region; plus strand). Cytogenetic location: 1p36.13.
Variant type: single nucleotide variant.
Coding change: c.529G>T on transcript NM_000085.5 (MANE Select); coding-DNA position 529, G replaced by T.
Protein change: p.Ala177Ser; replaces alanine 177 with serine.
Molecular consequence: missense variant.
Genome position (GRCh38, 1-based): chr1:16,048,373, G>T. VCF-style: chr1-16048373-G-T. GRCh37 (hg19) VCF-style: chr1-16374868-G-T.
Other names: short protein forms A177S.
Identifiers: ClinVar variation 1370652 (VCV001370652.7), dbSNP rs2023168679, ClinGen allele CA338634914.